The following is an entry in ClinVar:

NM_001123385.2(BCOR):c.519C>T (p.Ser173=)

Genes: BCOR (BCL6 corepressor; minus strand), LOC126863239 (MED14-independent group 3 enhancer GRCh37_chrX:39932994-39934193; plus strand). Cytogenetic location: Xp11.4.
Variant type: single nucleotide variant.
Coding change: c.519C>T on transcript NM_001123385.2 (MANE Select); coding-DNA position 519, C replaced by T.
Protein change: p.Ser173=; no amino-acid change (serine 173 retained).
Molecular consequence: synonymous variant.
Genome position (GRCh38, 1-based): chrX:40,074,827, G>A on the plus strand (C>T on the coding strand, the complement: BCOR is on the minus strand). VCF-style: chrX-40074827-G-A. GRCh37 (hg19) VCF-style: chrX-39934080-G-A.
Other names: c.519C>T, p.Ser173= (NM_001123383.2, NM_001123384.2, NM_017745.6).
Identifiers: ClinVar variation 210524 (VCV000210524.40), dbSNP rs138917640, ClinGen allele CA205682.

ClinVar aggregate classification (germline): Conflicting classifications of pathogenicity. Review status: criteria provided, conflicting classifications (1 of 4 stars). 5 submissions from 5 submitters: Uncertain significance (1); Likely benign (3). 1 of the submissions does not count toward it. Last evaluated 2024-10-18.

Conditions:
BCOR-related disorder. Also called: BCOR-related disorders; BCOR-related condition.
Oculofaciocardiodental syndrome (MCOPS2). Identifiers: Orphanet 2712, MedGen C1846265, MONDO:0010261, OMIM 300166.

Allele frequency attached by ClinVar (database versions not stated): ESP Exome Variant Server 0.00009; gnomAD 0.00012 and 0.00013; gnomAD exomes 0.00018 and 0.00037; TOPMed 0.00018; ExAC 0.00021.
gnomAD v4.1: 424 of 1,209,884 alleles (0.035%); highest among the groups gnomAD compares: Non-Finnish European, 0.043%; no homozygotes.

Submissions (5):

Blueprint Genetics
Classification: Likely benign. Last evaluated: 2024-10-18. Review status: criteria provided, single submitter. Criteria: ACMG Guidelines, 2015. Collection method: clinical testing. Allele origin: germline.

Labcorp Genetics (formerly Invitae), Labcorp
Classification: Likely benign for Oculofaciocardiodental syndrome. Last evaluated: 2024-05-22. Review status: criteria provided, single submitter. Criteria: Invitae Variant Classification Sherloc (09022015). Collection method: clinical testing. Allele origin: germline.

CeGaT Center for Human Genetics Tuebingen
Classification: Likely benign. Last evaluated: 2022-04-01. Review status: criteria provided, single submitter. Criteria: CeGaT Center For Human Genetics Tuebingen Variant Classification Criteria Version 2. Collection method: clinical testing. Allele origin: germline. Affected: yes. Observed: 2 variant alleles.
Comment: BCOR: BP4, BP7

Genetic Services Laboratory, University of Chicago
Classification: Uncertain significance. Last evaluated: 2015-06-15. Review status: criteria provided, single submitter. Criteria: ACMG Guidelines, 2015. Collection method: clinical testing. Allele origin: germline.

PreventionGenetics, part of Exact Sciences
Classification: Likely benign for BCOR-related condition. Last evaluated: 2019-09-19. Review status: no assertion criteria provided. Collection method: clinical testing. Allele origin: germline. Not counted in ClinVar's aggregate classification.
Comment: This variant is classified as likely benign based on ACMG/AMP sequence variant interpretation guidelines (Richards et al. 2015 PMID: 25741868, with internal and published modifications).